The following is an entry in ClinVar:

NM_000179.3(MSH6):c.36C>T (p.Pro12=)

Gene: MSH6 (mutS homolog 6; plus strand). Cytogenetic location: 2p16.3.
Variant type: single nucleotide variant.
Coding change: c.36C>T on transcript NM_000179.3 (MANE Select); coding-DNA position 36, C replaced by T.
Protein change: p.Pro12=; no amino-acid change (proline 12 retained).
Molecular consequence: synonymous variant. On other transcripts: 5 prime UTR variant (1).
Genome position (GRCh38, 1-based): chr2:47,783,269, C>T. VCF-style: chr2-47783269-C-T. GRCh37 (hg19) VCF-style: chr2-48010408-C-T.
Other names: c.36C>T (NM_000179.2); c.36C>T, p.Pro12= (NM_001281492.2); c.-701C>T (NM_001281493.2).
Identifiers: ClinVar variation 1124437 (VCV001124437.11), dbSNP rs760533525, ClinGen allele CA425986904.

ClinVar aggregate classification (germline): Benign/Likely benign. Review status: criteria provided, multiple submitters, no conflicts (2 of 4 stars). 3 submissions from 3 submitters: Benign (1); Likely benign (2). Last evaluated 2026-05-01.

Conditions:
Hereditary cancer-predisposing syndrome. Also called: Hereditary neoplastic syndrome; Neoplastic Syndromes, Hereditary; Tumor predisposition; Hereditary Cancer Syndrome. Identifiers: Orphanet 140162, MedGen C0027672, MeSH D009386, MONDO:0015356.
Lynch syndrome 5 (LYNCH5). Also called: Colorectal cancer, hereditary nonpolyposis, type 5; Hereditary non-polyposis colorectal cancer, type 5. Identifiers: Orphanet 144, MedGen C1833477, MONDO:0013710, OMIM 614350. Disease mechanism: loss of function.
Hereditary nonpolyposis colorectal neoplasms. Identifiers: MedGen C0009405, MeSH D003123.

Submissions (3):

Ambry Genetics
Classification: Likely benign for Hereditary cancer-predisposing syndrome. Last evaluated: 2026-05-01. Review status: criteria provided, single submitter. Criteria: Ambry Variant Classification Scheme 2023. Collection method: clinical testing. Allele origin: germline.

Myriad Genetics, Inc.
Classification: Benign for Lynch syndrome 5. Last evaluated: 2024-12-16. Review status: criteria provided, single submitter. Criteria: Myriad Autosomal Dominant, Autosomal Recessive and X-Linked Classification Criteria (2023). Collection method: clinical testing. Allele origin: unknown.
Comment: This variant is considered benign. This variant is a silent/synonymous amino acid change and it is not expected to impact splicing.

Labcorp Genetics (formerly Invitae), Labcorp
Classification: Likely benign for Hereditary nonpolyposis colorectal neoplasms. Last evaluated: 2023-11-24. Review status: criteria provided, single submitter. Criteria: Invitae Variant Classification Sherloc (09022015). Collection method: clinical testing. Allele origin: germline.